The following is an entry in ClinVar:

ClinVar aggregate classification (germline): Uncertain significance (1 of 4 stars; one submission).

Conditions:
SEMA3G-related disorder. Also called: SEMA3G-related condition.

gnomAD v4.1: 33 of 1,613,768 alleles (0.002%); highest among the groups gnomAD compares: East Asian, 0.038%; no homozygotes.

Submission:

PreventionGenetics, part of Exact Sciences
Classification: Uncertain significance for SEMA3G-related condition. Last evaluated: 2025-09-22. Review status: criteria provided, single submitter. Criteria: ACMG Guidelines, 2015. Collection method: clinical testing. Allele origin: germline.
Comment: The SEMA3G c.611G>A variant is predicted to result in the amino acid substitution p.Arg204Gln. To our knowledge, this variant has not been reported in the literature. This variant is reported in 0.080% of alleles in individuals of East Asian descent in gnomAD, which may be too frequent to be a primary cause of disease. Although we suspect that this variant may be benign, at this time, the clinical significance of this variant is uncertain due to the absence of conclusive functional and genetic evidence.

NM_020163.3(SEMA3G):c.611G>A (p.Arg204Gln)

Gene: SEMA3G (semaphorin 3G; minus strand). Cytogenetic location: 3p21.1.
Variant type: single nucleotide variant.
Coding change: c.611G>A on transcript NM_020163.3 (MANE Select); coding-DNA position 611, G replaced by A.
Protein change: p.Arg204Gln; replaces arginine 204 with glutamine.
Molecular consequence: missense variant.
Genome position (GRCh38, 1-based): chr3:52,441,630, C>T on the plus strand (G>A on the coding strand, the complement: SEMA3G is on the minus strand). VCF-style: chr3-52441630-C-T. GRCh37 (hg19) VCF-style: chr3-52475646-C-T.
Other names: short protein forms R204Q.
Identifiers: ClinVar variation 4990812 (VCV004990812.1).